The following is an entry in ClinVar:

ClinVar aggregate classification (germline): Uncertain significance (1 of 4 stars; one submission).

Conditions:
Spermatogenic failure 18. Identifiers: MedGen C4539783, MONDO:0054615, OMIM 617576.
Ciliary dyskinesia, primary, 37 (CILD37). Also called: CILIARY DYSKINESIA, PRIMARY, 37, WITH OR WITHOUT SITUS INVERSUS. Identifiers: MedGen C4539798, MONDO:0033204, OMIM 617577.

Allele frequency attached by ClinVar (database versions not stated): ExAC 0.00001; gnomAD 0.00001; gnomAD exomes 0.00001 and 0.00002; TOPMed 0.00002.
gnomAD v4.1: 10 of 1,610,268 alleles (0.00062%); highest among the groups gnomAD compares: Non-Finnish European, 0.00085%; no homozygotes.

Submission:

Labcorp Genetics (formerly Invitae), Labcorp
Classification: Uncertain significance for Ciliary dyskinesia, primary, 37; Spermatogenic failure 18. Last evaluated: 2022-08-23. Review status: criteria provided, single submitter. Criteria: Invitae Variant Classification Sherloc (09022015). Collection method: clinical testing. Allele origin: germline.
Comment: This sequence change replaces threonine, which is neutral and polar, with isoleucine, which is neutral and non-polar, at codon 1651 of the DNAH1 protein (p.Thr1651Ile). This variant is present in population databases (rs777405979, gnomAD 0.003%). This variant has not been reported in the literature in individuals affected with DNAH1-related conditions. ClinVar contains an entry for this variant (Variation ID: 1365502). Algorithms developed to predict the effect of missense changes on protein structure and function are either unavailable or do not agree on the potential impact of this missense change (SIFT: "Deleterious"; PolyPhen-2: "Benign"; Align-GVGD: "Class C15"). In summary, the available evidence is currently insufficient to determine the role of this variant in disease. Therefore, it has been classified as a Variant of Uncertain Significance.

NM_015512.5(DNAH1):c.4952C>T (p.Thr1651Ile)

Gene: DNAH1 (dynein axonemal heavy chain 1; plus strand). Cytogenetic location: 3p21.1.
Variant type: single nucleotide variant.
Coding change: c.4952C>T on transcript NM_015512.5 (MANE Select); coding-DNA position 4952, C replaced by T.
Protein change: p.Thr1651Ile; replaces threonine 1651 with isoleucine.
Molecular consequence: missense variant.
Genome position (GRCh38, 1-based): chr3:52,361,738, C>T. VCF-style: chr3-52361738-C-T. GRCh37 (hg19) VCF-style: chr3-52395754-C-T.
Other names: short protein forms T1651I.
Identifiers: ClinVar variation 1365502 (VCV001365502.5), dbSNP rs777405979, ClinGen allele CA2434041.